The following is an entry in ClinVar:

ClinVar aggregate classification (germline): Uncertain significance (1 of 4 stars; one submission).

Conditions:
Neurodevelopmental disorder with hypotonia, language delay, and skeletal defects with or without seizures (NEDHLSS). Identifiers: MedGen C5774213, MONDO:0859286, OMIM 620029.

Submission:

3billion
Classification: Uncertain significance for Neurodevelopmental disorder with hypotonia, language delay, and skeletal defects with or without seizures. Last evaluated: 2024-08-27. Review status: criteria provided, single submitter. Criteria: ACMG Guidelines, 2015. Collection method: clinical testing. Allele origin: germline. Affected: yes.
Comment: The variant is not observed in the gnomAD v4.0.0 dataset. Predicted Consequence/Location: Missense changes are a common disease-causing mechanism. In silico tool predictions suggest damaging effect of the variant on gene or gene product [3Cnet: 0.99 (>=0.6, sensitivity 0.72 and precision 0.9)]. Therefore, this variant is classified as VUS according to the recommendation of ACMG/AMP guideline.

NM_000719.7(CACNA1C):c.337A>C (p.Ile113Leu)

Gene: CACNA1C (calcium voltage-gated channel subunit alpha1 C; plus strand). Cytogenetic location: 12p13.33.
Variant type: single nucleotide variant.
Coding change: c.337A>C on transcript NM_000719.7 (MANE Select); coding-DNA position 337, A replaced by C.
Protein change: p.Ile113Leu; replaces isoleucine 113 with leucine.
Molecular consequence: missense variant.
Genome position (GRCh38, 1-based): chr12:2,115,511, A>C. VCF-style: chr12-2115511-A-C. GRCh37 (hg19) VCF-style: chr12-2224677-A-C.
Other names: c.337A>C, p.Ile113Leu (NM_001129827.2, NM_001129829.2, NM_001129830.3 and 19 more transcripts); short protein forms I113L.
Identifiers: ClinVar variation 4293455 (VCV004293455.1).